The following is an entry in ClinVar:

NM_025179.4(PLXNA2):c.3639+4A>C

Gene: PLXNA2 (plexin A2; minus strand). Cytogenetic location: 1q32.2.
Variant type: single nucleotide variant.
Coding change: c.3639+4A>C on transcript NM_025179.4 (MANE Select); 4 bases into the intron after coding-DNA position 3639, A replaced by C.
Molecular consequence: intron variant.
Genome position (GRCh38, 1-based): chr1:208,045,063, T>G on the plus strand (A>C on the coding strand, the complement: PLXNA2 is on the minus strand). VCF-style: chr1-208045063-T-G. GRCh37 (hg19) VCF-style: chr1-208218408-T-G.
Identifiers: ClinVar variation 4989578 (VCV004989578.1).

ClinVar aggregate classification (germline): Uncertain significance (1 of 4 stars; one submission).

Conditions:
PLXNA2-related disorder. Also called: PLXNA2-related condition.

gnomAD v4.1: 3 of 1,614,032 alleles (0.00019%); highest among the groups gnomAD compares: Admixed American, 0.005%; no homozygotes.

Submission:

PreventionGenetics, part of Exact Sciences
Classification: Uncertain significance for PLXNA2-related condition. Last evaluated: 2025-03-26. Review status: criteria provided, single submitter. Criteria: ACMG Guidelines, 2015. Collection method: clinical testing. Allele origin: germline.
Comment: The PLXNA2 c.3639+4A>C variant is predicted to interfere with splicing. To our knowledge, this variant has not been reported in the literature. This variant is reported in 0.0029% of alleles in individuals of Latino descent in gnomAD. This variant is predicted to alter splicing based on available splicing prediction programs (SpliceAI, Jaganathan et al. 2019. PubMed ID: 30661751). However, the use of computer prediction programs is not equivalent to functional evidence. At this time, the clinical significance of this variant is uncertain due to the absence of conclusive functional and genetic evidence.